The following is an entry in ClinVar:

NM_001613.4(ACTA2):c.369+10C>A

Gene: ACTA2 (actin alpha 2, smooth muscle; minus strand). Cytogenetic location: 10q23.31.
Variant type: single nucleotide variant.
Coding change: c.369+10C>A on transcript NM_001613.4 (MANE Select); 10 bases into the intron after coding-DNA position 369, C replaced by A.
Molecular consequence: intron variant.
Genome position (GRCh38, 1-based): chr10:88,943,787, G>T on the plus strand (C>A on the coding strand, the complement: ACTA2 is on the minus strand). VCF-style: chr10-88943787-G-T. GRCh37 (hg19) VCF-style: chr10-90703544-G-T.
Other names: c.240+10C>A (NM_001406467.1, NM_001406468.1, NM_001406469.1); c.369+10C>A (NM_001320855.2, NM_001406462.1, NM_001406471.1 and 3 more transcripts); c.259-1918C>A (NM_001406466.1).
Identifiers: ClinVar variation 385194 (VCV000385194.7), dbSNP rs1057522148, ClinGen allele CA16605731.
Genomic context (GRCh38, chr10:88,943,787, plus strand): 5'-CTGCATAGCCTCCTTCTAACAGAAGTTTCCCCAGACCCCACAGTGTTGTGTGCTGGGGTA[G>T]CATACTTACTTGAGTCATTTTCTCCCGGTTGGCCTTGGGGTTCAGGGGTGCCTCCGTGAG-3'

ClinVar aggregate classification (germline): Likely benign. Review status: criteria provided, multiple submitters, no conflicts (2 of 4 stars). 3 submissions from 3 submitters: Likely benign (3). Last evaluated 2025-09-19.

Conditions:
Aortic aneurysm, familial thoracic 6 (AAT6). Also called: FAMILIAL THORACIC AORTIC ANEURYSM WITH LIVEDO RETICULARIS AND IRIS FLOCCULI. Identifiers: MedGen C2673186, MONDO:0012730, OMIM 611788.

Allele frequency attached by ClinVar (database versions not stated): TOPMed below 0.00001; gnomAD 0.00001; gnomAD exomes 0.00001.
gnomAD v4.1: 13 of 1,604,104 alleles (0.00081%); highest among the groups gnomAD compares: Non-Finnish European, 0.001%; no homozygotes.

Submissions (3):

Women's Health and Genetics/Laboratory Corporation of America, LabCorp
Classification: Likely benign. Last evaluated: 2025-09-19. Review status: criteria provided, single submitter. Criteria: LabCorp Variant Classification Summary - May 2015. Collection method: clinical testing. Allele origin: germline.

Labcorp Genetics (formerly Invitae), Labcorp
Classification: Likely benign for Aortic aneurysm, familial thoracic 6. Last evaluated: 2025-07-29. Review status: criteria provided, single submitter. Criteria: Invitae Variant Classification Sherloc (09022015). Collection method: clinical testing. Allele origin: germline.

GeneDx
Classification: Likely benign. Last evaluated: 2016-03-28. Review status: criteria provided, single submitter. Criteria: GeneDx Variant Classification (06012015). Collection method: clinical testing. Allele origin: germline. Affected: yes.
Comment: This variant is considered likely benign or benign based on one or more of the following criteria: it is a conservative change, it occurs at a poorly conserved position in the protein, it is predicted to be benign by multiple in silico algorithms, and/or has population frequency not consistent with disease.